The following is an entry in ClinVar:

ClinVar aggregate classification (germline): Pathogenic (1 of 4 stars; one submission).

Conditions:
Mitochondrial hypertrophic cardiomyopathy with lactic acidosis due to MTO1 deficiency. Also called: CARDIOMYOPATHY, INFANTILE HYPERTROPHIC MITOCHONDRIAL, AND LACTIC ACIDOSIS; Combined oxidative phosphorylation deficiency 10. Identifiers: Orphanet 314637, MedGen C4749921, MONDO:0013865, OMIM 614702.

Submission:

Labcorp Genetics (formerly Invitae), Labcorp
Classification: Pathogenic for Mitochondrial hypertrophic cardiomyopathy with lactic acidosis due to MTO1 deficiency. Last evaluated: 2021-05-18. Review status: criteria provided, single submitter. Criteria: Invitae Variant Classification Sherloc (09022015). Collection method: clinical testing. Allele origin: germline.
Comment: For these reasons, this variant has been classified as Pathogenic. This variant has not been reported in the literature in individuals with MTO1-related conditions. This variant is a gross deletion of the genomic region encompassing exon(s) 1 of the MTO1 gene, which includes the initiator codon. The 5' end of this event is unknown as it extends beyond the assayed region for this gene and therefore may encompass additional genes. The 3' boundary is likely confined to intron 1 of the MTO1 gene. It is expected to result in an absent or disrupted protein product. Loss-of-function variants in MTO1 are known to be pathogenic (PMID: 22608499, 25058219).

Literature cited by the submitters: PubMed 22608499; PubMed 25058219.

NC_000006.11:g.(?_74171578)_(74171814_?)del

Gene: MTO1 (mitochondrial tRNA translation optimization 1; plus strand). Cytogenetic location: 6q13.
Variant type: Deletion.
Identifiers: ClinVar variation 1456323 (VCV001456323.4).